The following is an entry in ClinVar:

ClinVar aggregate classification (germline): Uncertain significance (1 of 4 stars; one submission).

Conditions:
Inborn genetic diseases. Identifiers: MedGen C0950123, MeSH D030342.

Submission:

Ambry Genetics
Classification: Uncertain significance for Inborn genetic diseases. Last evaluated: 2025-05-16. Review status: criteria provided, single submitter. Criteria: Ambry Variant Classification Scheme 2023. Collection method: clinical testing. Allele origin: germline.
Comment: The c.1027T>C (p.S343P) alteration is located in exon 10 (coding exon 10) of the EIF4A2 gene. This alteration results from a T to C substitution at nucleotide position 1027, causing the serine (S) at amino acid position 343 to be replaced by a proline (P). This variant was not reported in population-based cohorts in the Genome Aggregation Database (gnomAD). This amino acid position is highly conserved in available vertebrate species. This missense alteration is located in a region that has a low rate of benign missense variation (Lek, 2016; Firth, 2009). The in silico prediction for this alteration is inconclusive. Based on insufficient or conflicting evidence, the clinical significance of this alteration remains unclear.

NM_001967.4(EIF4A2):c.1027T>C (p.Ser343Pro)

Gene: EIF4A2 (eukaryotic translation initiation factor 4A2; plus strand). Cytogenetic location: 3q27.3.
Variant type: single nucleotide variant.
Coding change: c.1027T>C on transcript NM_001967.4 (MANE Select); coding-DNA position 1027, T replaced by C.
Protein change: p.Ser343Pro; replaces serine 343 with proline.
Molecular consequence: missense variant.
Genome position (GRCh38, 1-based): chr3:186,787,830, T>C. VCF-style: chr3-186787830-T-C. GRCh37 (hg19) VCF-style: chr3-186505619-T-C.
Other names: short protein forms S343P.
Identifiers: ClinVar variation 3844152 (VCV003844152.2).